The following is an entry in ClinVar:

ClinVar aggregate classification (germline): Uncertain significance (1 of 4 stars; one submission).

Conditions:
Hereditary cancer-predisposing syndrome. Also called: Neoplastic Syndromes, Hereditary; Tumor predisposition; Hereditary Cancer Syndrome; Hereditary neoplastic syndrome. Identifiers: Orphanet 140162, MedGen C0027672, MeSH D009386, MONDO:0015356.

Submission:

Ambry Genetics
Classification: Uncertain significance for Hereditary cancer-predisposing syndrome. Last evaluated: 2025-06-25. Review status: criteria provided, single submitter. Criteria: Ambry Variant Classification Scheme 2023. Collection method: clinical testing. Allele origin: germline.
Comment: The p.A83V variant (also known as c.248C>T), located in coding exon 1 of the MSH6 gene, results from a C to T substitution at nucleotide position 248. The alanine at codon 83 is replaced by valine, an amino acid with similar properties. This amino acid position is well conserved in available vertebrate species. In addition, this alteration is predicted to be tolerated by in silico analysis. Based on the available evidence, the clinical significance of this variant remains unclear.

NM_000179.3(MSH6):c.248C>T (p.Ala83Val)

Genes: MSH6 (mutS homolog 6; plus strand), LOC129933707 (ATAC-STARR-seq lymphoblastoid silent region 11468; plus strand). Cytogenetic location: 2p16.3.
Variant type: single nucleotide variant.
Coding change: c.248C>T on transcript NM_000179.3 (MANE Select); coding-DNA position 248, C replaced by T.
Protein change: p.Ala83Val; replaces alanine 83 with valine.
Molecular consequence: missense variant. On other transcripts: 5 prime UTR variant (1), intron variant (1).
Genome position (GRCh38, 1-based): chr2:47,783,481, C>T. VCF-style: chr2-47783481-C-T. GRCh37 (hg19) VCF-style: chr2-48010620-C-T.
Other names: c.-489C>T (NM_001281493.2); c.237+11C>T (NM_001281492.2); short protein forms A83V.
Identifiers: ClinVar variation 821353 (VCV000821353.5), dbSNP rs876661197, ClinGen allele CA346735130.
Genomic context (GRCh38, chr2:47,783,481, plus strand): 5'-CCGCGTCACCGCCCAAGGCGAAGAACCTCAACGGAGGGCTGCGGAGATCGGTAGCGCCTG[C>T]TGCCCCCACCAGGTAGCGGGGTGGGGGTGGGGTCGAAGGCGGGGGCATAGCGGCGGGGCG-3'
Protein context (NP_000170.1, residues 73-93): NGGLRRSVAP[Ala83Val]APTSCDFSPG